The following is an entry in ClinVar:

NM_002470.4(MYH3):c.4481A>C (p.Asp1494Ala)

Gene: MYH3 (myosin heavy chain 3; minus strand). Cytogenetic location: 17p13.1.
Variant type: single nucleotide variant.
Coding change: c.4481A>C on transcript NM_002470.4 (MANE Select); coding-DNA position 4481, A replaced by C.
Protein change: p.Asp1494Ala; replaces aspartic acid 1494 with alanine.
Molecular consequence: missense variant.
Genome position (GRCh38, 1-based): chr17:10,634,058, T>G on the plus strand (A>C on the coding strand, the complement: MYH3 is on the minus strand). VCF-style: chr17-10634058-T-G. GRCh37 (hg19) VCF-style: chr17-10537375-T-G.
Other names: c.4481A>C (NM_002470.3); short protein forms D1494A.
Identifiers: ClinVar variation 2157569 (VCV002157569.5), dbSNP rs1325303767, ClinGen allele CA398142413.

ClinVar aggregate classification (germline): Uncertain significance. Review status: criteria provided, multiple submitters, no conflicts (2 of 4 stars). 2 submissions from 2 submitters: Uncertain significance (2). Last evaluated 2025-09-21.

Conditions:
MYH3-related disorder. Also called: MYH3-related condition; MYH3-Related Disorders. Identifiers: MedGen CN239329.

Allele frequency attached by ClinVar (database versions not stated): TOPMed below 0.00001; gnomAD 0.00001; gnomAD exomes 0.00001.
gnomAD v4.1: 9 of 1,614,084 alleles (0.00056%); highest among the groups gnomAD compares: Non-Finnish European, 0.00076%; no homozygotes.

Submissions (2):

Labcorp Genetics (formerly Invitae), Labcorp
Classification: Uncertain significance. Last evaluated: 2025-09-21. Review status: criteria provided, single submitter. Criteria: Invitae Variant Classification Sherloc (09022015). Collection method: clinical testing. Allele origin: germline.
Comment: This sequence change replaces aspartic acid, which is acidic and polar, with alanine, which is neutral and non-polar, at codon 1494 of the MYH3 protein (p.Asp1494Ala). This variant is present in population databases (no rsID available, gnomAD 0.002%). This variant has not been reported in the literature in individuals affected with MYH3-related conditions. ClinVar contains an entry for this variant (Variation ID: 2157569). Invitae Evidence Modeling of protein sequence and biophysical properties (such as structural, functional, and spatial information, amino acid conservation, physicochemical variation, residue mobility, and thermodynamic stability) indicates that this missense variant is not expected to disrupt MYH3 protein function with a negative predictive value of 95%. In summary, the available evidence is currently insufficient to determine the role of this variant in disease. Therefore, it has been classified as a Variant of Uncertain Significance.

PreventionGenetics, part of Exact Sciences
Classification: Uncertain significance for MYH3-related condition. Last evaluated: 2023-04-14. Review status: criteria provided, single submitter. Criteria: ACMG Guidelines, 2015. Collection method: clinical testing. Allele origin: germline.
Comment: The MYH3 c.4481A>C variant is predicted to result in the amino acid substitution p.Asp1494Ala. To our knowledge, this variant has not been reported in the literature. This variant is reported in 0.0015% of alleles in individuals of European (Non-Finnish) descent in gnomAD. At this time, the clinical significance of this variant is uncertain due to the absence of conclusive functional and genetic evidence.